The following is an entry in ClinVar:

NM_000538.4(RFXAP):c.341A>T (p.Glu114Val)

Gene: RFXAP (regulatory factor X associated protein; plus strand). Cytogenetic location: 13q13.3.
Variant type: single nucleotide variant.
Coding change: c.341A>T on transcript NM_000538.4 (MANE Select); coding-DNA position 341, A replaced by T.
Protein change: p.Glu114Val; replaces glutamic acid 114 with valine.
Molecular consequence: missense variant.
Genome position (GRCh38, 1-based): chr13:36,819,698, A>T. VCF-style: chr13-36819698-A-T. GRCh37 (hg19) VCF-style: chr13-37393835-A-T.
Other names: c.341A>T (NM_000538.3); short protein forms E114V.
Identifiers: ClinVar variation 1004634 (VCV001004634.8), dbSNP rs957064804, ClinGen allele CA248179572.

ClinVar aggregate classification (germline): Uncertain significance. Review status: criteria provided, multiple submitters, no conflicts (2 of 4 stars). 2 submissions from 2 submitters: Uncertain significance (2). Last evaluated 2025-08-02.

Conditions:
MHC class II deficiency. Also called: Bare lymphocyte syndrome 2; BLS, TYPE II. Identifiers: Orphanet 572, MedGen C5447452, MONDO:0008855.

Allele frequency attached by ClinVar (database versions not stated): gnomAD exomes 0.00003 and 0.00005; TOPMed 0.00004; gnomAD 0.00005.

Submissions (2):

Labcorp Genetics (formerly Invitae), Labcorp
Classification: Uncertain significance for MHC class II deficiency. Last evaluated: 2025-08-02. Review status: criteria provided, single submitter. Criteria: Invitae Variant Classification Sherloc (09022015). Collection method: clinical testing. Allele origin: germline.
Comment: This sequence change replaces glutamic acid, which is acidic and polar, with valine, which is neutral and non-polar, at codon 114 of the RFXAP protein (p.Glu114Val). This variant is present in population databases (no rsID available, gnomAD 0.007%). This variant has not been reported in the literature in individuals affected with RFXAP-related conditions. ClinVar contains an entry for this variant (Variation ID: 1004634). Invitae Evidence Modeling of protein sequence and biophysical properties (such as structural, functional, and spatial information, amino acid conservation, physicochemical variation, residue mobility, and thermodynamic stability) has been performed for this missense variant. However, the output from this modeling did not meet the statistical confidence thresholds required to predict the impact of this variant on RFXAP protein function. In summary, the available evidence is currently insufficient to determine the role of this variant in disease. Therefore, it has been classified as a Variant of Uncertain Significance.

Ambry Genetics
Classification: Uncertain significance. Last evaluated: 2023-12-27. Review status: criteria provided, single submitter. Criteria: Ambry Variant Classification Scheme 2023. Collection method: clinical testing. Allele origin: germline.